The following is an entry in ClinVar:

NM_005751.5(AKAP9):c.5078_5080del (p.Gly1693del)

Gene: AKAP9 (A-kinase anchoring protein 9; plus strand). Cytogenetic location: 7q21.2.
Variant type: Deletion.
Coding change: c.5078_5080del on transcript NM_005751.5 (MANE Select); coding-DNA positions 5078 to 5080, 3 bases deleted (GAG; older notation c.5078_5080delGAG).
Protein change: p.Gly1693del; deletes glycine 1693.
Molecular consequence: inframe deletion.
Genome position (GRCh38, 1-based): chr7:92,042,687-92,042,689, GAG deleted; deleting any 3 consecutive bases within chr7:92,042,685-92,042,689 gives the same sequence; the c. name uses the placement nearest the transcript's 3' end. VCF-style (leftmost placement, unchanged base first): chr7-92042684-AAGG-A. GRCh37 (hg19) VCF-style: chr7-91671998-AAGG-A.
Other names: c.5078_5080del, p.Gly1693del (NM_147185.3); c.5078_5080delGAG (NM_005751.4); short protein forms G1693del.
Identifiers: ClinVar variation 527000 (VCV000527000.12), dbSNP rs771190405, ClinGen allele CA4336734.

ClinVar aggregate classification (germline): Uncertain significance. Review status: criteria provided, multiple submitters, no conflicts (2 of 4 stars). 4 submissions from 4 submitters: Uncertain significance (4). Last evaluated 2024-10-29.

Conditions:
Cardiovascular phenotype. Identifiers: MedGen CN230736.
Long QT syndrome 11 (LQT11). Identifiers: Orphanet 101016, Orphanet 768, MedGen C2678483, MONDO:0012738, OMIM 611820.
Long QT syndrome (LQTS). Identifiers: MedGen C0023976, MeSH D008133, MONDO:0002442. Disease mechanism: loss of function. Inheritance: Various modes of inheritance.

Submissions (4):

Labcorp Genetics (formerly Invitae), Labcorp
Classification: Uncertain significance for Long QT syndrome. Last evaluated: 2024-10-29. Review status: criteria provided, single submitter. Criteria: Invitae Variant Classification Sherloc (09022015). Collection method: clinical testing. Allele origin: germline.
Comment: This variant, c.5078_5080del, results in the deletion of 1 amino acid(s) of the AKAP9 protein (p.Gly1693del), but otherwise preserves the integrity of the reading frame. This variant is present in population databases (rs771190405, gnomAD 0.002%). This variant has not been reported in the literature in individuals affected with AKAP9-related conditions. ClinVar contains an entry for this variant (Variation ID: 527000). Experimental studies and prediction algorithms are not available or were not evaluated, and the functional significance of this variant is currently unknown. In summary, the available evidence is currently insufficient to determine the role of this variant in disease. Therefore, it has been classified as a Variant of Uncertain Significance.

Ambry Genetics
Classification: Uncertain significance for Cardiovascular phenotype. Last evaluated: 2022-08-15. Review status: criteria provided, single submitter. Criteria: Ambry Variant Classification Scheme 2023. Collection method: clinical testing. Allele origin: germline.
Comment: The c.5078_5080delGAG variant (also known as p.G1693del) is located in coding exon 20 of the AKAP9 gene. This variant results from an in-frame GAG deletion at nucleotide positions 5078 to 5080. This results in the in-frame deletion of a glycine at codon 1693. This amino acid position is not well conserved in available vertebrate species. The evidence for this gene-disease relationship is limited; therefore, the clinical significance of this alteration is unclear.

Fulgent Genetics
Classification: Uncertain significance for Long QT syndrome 11. Last evaluated: 2021-10-04. Review status: criteria provided, single submitter. Criteria: ACMG Guidelines, 2015. Collection method: clinical testing. Allele origin: unknown.

Women's Health and Genetics/Laboratory Corporation of America, LabCorp
Classification: Uncertain significance. Last evaluated: 2021-05-24. Review status: criteria provided, single submitter. Criteria: LabCorp Variant Classification Summary - May 2015. Collection method: clinical testing. Allele origin: germline.
Comment: Variant summary: AKAP9 c.5078_5080delGAG (p.Gly1693del) results in an in-frame deletion that is predicted to remove one amino acid from the encoded protein. The variant allele was found at a frequency of 8e-06 in 250856 control chromosomes. The available data on variant occurrences in the general population are insufficient to allow any conclusion about variant significance. To our knowledge, no occurrence of c.5078_5080delGAG in individuals affected with Long QT Syndrome and no experimental evidence demonstrating its impact on protein function have been reported. One clinical diagnostic laboratory has submitted clinical-significance assessments for this variant to ClinVar after 2014 without evidence for independent evaluation and classified the variant as uncertain significance. Based on the evidence outlined above, the variant was classified as uncertain significance.